The following is an entry in ClinVar:

NM_006231.4(POLE):c.2865-6_2865-4del

Gene: POLE (DNA polymerase epsilon, catalytic subunit; minus strand). Cytogenetic location: 12q24.33.
Variant type: Deletion.
Coding change: c.2865-6_2865-4del on transcript NM_006231.4 (MANE Select); 6 bases into the intron before coding-DNA position 2865 through 4 bases into the intron before coding-DNA position 2865, 3 bases deleted (TTT; older notation c.2865-6_2865-4delTTT).
Molecular consequence: intron variant.
Genome position (GRCh38, 1-based): chr12:132,661,168-132,661,170, AAA deleted on the plus strand (TTT on the coding strand, the reverse complement: POLE is on the minus strand); deleting any 3 consecutive bases within chr12:132,661,168-132,661,181 gives the same sequence; the c. name uses the placement nearest the transcript's 3' end. VCF-style (leftmost placement, unchanged base first): chr12-132661167-GAAA-G. GRCh37 (hg19) VCF-style: chr12-133237753-GAAA-G.
Other names: NC_000012.11:g.133237765_133237767del; c.2865-17_2865-15del (NM_006231.4).
Identifiers: ClinVar variation 439267 (VCV000439267.6), dbSNP rs369732588, ClinGen allele CA6893419.
Genomic context (GRCh38, chr12:132,661,167, plus strand): 5'-TTTGACCTCAAAGCCCTTGAGCTCAGCCAGAGAACCGTCTTCATTGAACACAGCATACCT[GAAA>G]AAAAAAAAAAAGGCAAGCACAGCAGTGGCAAGGAGCGCTGGGGAGCCACCAGCTGTGCCT-3'

ClinVar aggregate classification (germline): Benign/Likely benign. Review status: criteria provided, multiple submitters, no conflicts (2 of 4 stars). 3 submissions from 3 submitters: Benign (1); Likely benign (1). 1 of the submissions does not count toward it. Last evaluated 2024-03-07.

Conditions:
Hereditary cancer-predisposing syndrome. Also called: Hereditary neoplastic syndrome; Hereditary Cancer Syndrome; Tumor predisposition; Neoplastic Syndromes, Hereditary. Identifiers: Orphanet 140162, MedGen C0027672, MeSH D009386, MONDO:0015356.

Submissions (4):

Ambry Genetics
Classification: Likely benign for Hereditary cancer-predisposing syndrome. Last evaluated: 2024-03-07. Review status: criteria provided, single submitter. Criteria: Ambry Variant Classification Scheme 2023. Collection method: clinical testing. Allele origin: germline.

Quest Diagnostics Nichols Institute San Juan Capistrano
Classification: Benign. Last evaluated: 2019-05-29. Review status: criteria provided, single submitter. Criteria: Quest Diagnostics criteria. Collection method: clinical testing. Allele origin: germline.

Department of Pathology and Laboratory Medicine, Sinai Health System
Classification: Likely benign. Review status: no assertion criteria provided. Collection method: clinical testing. Allele origin: unknown. Affected: yes. Study: The Canadian Open Genetics Repository (COGR). Not counted in ClinVar's aggregate classification.
Comment: The POLE c.2865-6_2865-4delTTT variant was not identified in the literature nor was it identified in the Cosmic, or MutDB databases. The variant was also identified in dbSNP (ID: rs778801383) as NA, and in ClinVar (1x as a variant of uncertain significance). The variant was not identified in the following control databases: the 1000 Genomes Project, the NHLBI GO Exome Sequencing Project, the Exome Aggregation Consortium (August 8th 2016), or the Genome Aggregation Database (Feb 27, 2017). The c.2865-6_2865-4delTTT variant is located in the 3' splice region but does not affect the invariant -1 and -2 positions. However, positions -3 and -5 to -12 are part of the splicing consensus sequence and variants involving these positions sometimes affect splicing. More over the intronic sequence form position 2865-17 to 2865-4 is a repetitive run of thymine making it unlikely that this particular sequence change would affect splicing. The variant occurs outside of the splicing consensus sequence and in silico or computational prediction software programs (SpliceSiteFinder, MaxEntScan, NNSPLICE, GeneSplicer, HumanSpliceFinder) do not predict a difference in splicing. In summary, the clinical significance of this variant cannot be determined with certainty at this time, although the available information suggests a benign role. This variant is classified as likely benign.

Dr. Peter K. Rogan Lab, Western University
No classification provided (evidence only). Condition: Uterine corpus endometrial carcinoma. Review status: no classification provided. Collection method: in vitro. Allele origin: not applicable. Functional consequence: retained intron. Not counted in ClinVar's aggregate classification.